The following is an entry in ClinVar:

NM_000545.8(HNF1A):c.326+2dup

Gene: HNF1A (HNF1 homeobox A; plus strand). Cytogenetic location: 12q24.31.
Variant type: Duplication.
Coding change: c.326+2dup on transcript NM_000545.8 (MANE Select); the canonical splice donor site of the intron after coding-DNA position 326, one base duplicated (T; older notation c.326+2dupT).
Molecular consequence: splice donor variant.
Genome position (GRCh38, 1-based): chr12:120,979,096, T duplicated. VCF-style (leftmost placement, unchanged base first): chr12-120979095-G-GT. GRCh37 (hg19) VCF-style: chr12-121416898-G-GT.
Other names: NM_001306179.1:c.326+2dup; c.326+2dup (NM_001306179.2).
Identifiers: ClinVar variation 1676698 (VCV001676698.3), dbSNP rs2135820427, ClinGen allele CA913203553.
Genomic context (GRCh38, chr12:120,979,095, plus strand): 5'-GGAGAACCTCAGCCCTGAGGAGGCGGCCCACCAGAAAGCCGTGGTGGAGACCCTTCTGCA[G>GT]TAAGGAGCCCTGCCCCGTCCCCGCTCCCAGGAGAGCCTAGAGGGGCCCCCCTCAGCTCCT-3'

ClinVar aggregate classification (germline): Uncertain significance (3 of 4 stars; one submission).

Conditions:
Monogenic diabetes. Identifiers: Orphanet 183625, MedGen C3888631, MONDO:0015967.

Submission:

ClinGen Monogenic Diabetes Variant Curation Expert Panel
Classification: Uncertain significance for Monogenic diabetes. Last evaluated: 2022-04-07. Review status: reviewed by expert panel. Criteria: ClinGen Diabetes ACMG Specifications v1 1. Collection method: curation. Allele origin: germline. Inheritance: Autosomal dominant inheritance.
Comment: The computational splicing predictor SpliceAI gives a score of greater than 0.20 for donor loss, predicting that the variant disrupts the donor site of intron 1 of HNF1A (PP3). This variant is absent from gnomAD v2.1.1 (PM2_Supporting). In summary, c.326+2dup meets the criteria to be classified as a variant of uncertain significance for monogenic diabetes. ACMG/AMP criteria applied, as specified by the ClinGen MDEP (specification version 1.1, approved 9/30/2021): PM2_Supporting, PP4_Moderate, PP3.